The following is an entry in ClinVar:

NM_000702.4(ATP1A2):c.500C>A (p.Ala167Asp)

Genes: ATP1A2 (ATPase Na+/K+ transporting subunit alpha 2; plus strand), LOC126805890 (CDK7 strongly-dependent group 2 enhancer GRCh37_chr1:160093987-160095186; plus strand). Cytogenetic location: 1q23.2.
Variant type: single nucleotide variant.
Coding change: c.500C>A on transcript NM_000702.4 (MANE Select); coding-DNA position 500, C replaced by A.
Protein change: p.Ala167Asp; replaces alanine 167 with aspartic acid.
Molecular consequence: missense variant.
Genome position (GRCh38, 1-based): chr1:160,124,300, C>A. VCF-style: chr1-160124300-C-A. GRCh37 (hg19) VCF-style: chr1-160094090-C-A.
Other names: short protein forms A167D.
Identifiers: ClinVar variation 1700972 (VCV001700972.3), dbSNP rs2101986130, ClinGen allele CA343233229.

ClinVar aggregate classification (germline): Uncertain significance. Review status: criteria provided, multiple submitters, no conflicts (2 of 4 stars). 2 submissions from 2 submitters: Uncertain significance (2). Last evaluated 2026-07-03.

Conditions:
Inborn genetic diseases. Identifiers: MedGen C0950123, MeSH D030342.

Allele frequency attached by ClinVar (database versions not stated): gnomAD exomes below 0.00001.

Submissions (2):

Ambry Genetics
Classification: Uncertain significance for Inborn genetic diseases. Last evaluated: 2026-07-03. Review status: criteria provided, single submitter. Criteria: Ambry Variant Classification Scheme 2023. Collection method: clinical testing. Allele origin: germline.

GeneDx
Classification: Uncertain significance. Last evaluated: 2022-02-10. Review status: criteria provided, single submitter. Criteria: GeneDx Variant Classification Process June 2021. Collection method: clinical testing. Allele origin: germline. Affected: yes.
Comment: Not observed at significant frequency in large population cohorts (gnomAD); In silico analysis supports that this missense variant has a deleterious effect on protein structure/function; In silico analysis, which includes splice predictors and evolutionary conservation, suggests this variant may impact gene splicing. In the absence of RNA/functional studies, the actual effect of this sequence change is unknown.; Has not been previously published as pathogenic or benign to our knowledge